The following is an entry in ClinVar:

ClinVar aggregate classification (germline): Likely pathogenic (1 of 4 stars; one submission).

Conditions:
NOTCH2-related disorder. Also called: NOTCH2-related condition.

Submission:

PreventionGenetics, part of Exact Sciences
Classification: Likely pathogenic for NOTCH2-related condition. Last evaluated: 2026-09-24. Review status: criteria provided, single submitter. Criteria: ACMG Guidelines, 2015. Collection method: clinical testing. Allele origin: germline.
Comment: The NOTCH2 c.2573_2580del8 variant is predicted to result in a frameshift and premature protein termination (p.Thr858Metfs*13). To our knowledge, this variant has not been reported in the literature or in a large population database (gnomAD), indicating this variant is rare. Frameshift variants in NOTCH2 are expected to be pathogenic. This variant is interpreted as likely pathogenic.

NM_024408.4(NOTCH2):c.2573_2580del (p.Thr858fs)

Gene: NOTCH2 (notch receptor 2; minus strand). Cytogenetic location: 1p12.
Variant type: Deletion.
Coding change: c.2573_2580del on transcript NM_024408.4 (MANE Select); coding-DNA positions 2573 to 2580, 8 bases deleted (CTTGCTTG; older notation c.2573_2580delCTTGCTTG).
Protein change: p.Thr858fs; shifts the reading frame from threonine 858.
Molecular consequence: frameshift variant.
Genome position (GRCh38, 1-based): chr1:119,949,026-119,949,033, CAAGCAAG deleted on the plus strand (CTTGCTTG on the coding strand, the reverse complement: NOTCH2 is on the minus strand). VCF-style (leftmost placement, unchanged base first): chr1-119949025-ACAAGCAAG-A. GRCh37 (hg19) VCF-style: chr1-120491648-ACAAGCAAG-A.
Other names: c.2573_2580del, p.Thr858fs (NM_001200001.2); short protein forms T858fs.
Identifiers: ClinVar variation 5000582 (VCV005000582.1).